The following is an entry in ClinVar:

NM_001273.5(CHD4):c.2366A>G (p.Asn789Ser)

Gene: CHD4 (chromodomain helicase DNA binding protein 4; minus strand). Cytogenetic location: 12p13.31.
Variant type: single nucleotide variant.
Coding change: c.2366A>G on transcript NM_001273.5 (MANE Select); coding-DNA position 2366, A replaced by G.
Protein change: p.Asn789Ser; replaces asparagine 789 with serine.
Molecular consequence: missense variant.
Genome position (GRCh38, 1-based): chr12:6,593,564, T>C on the plus strand (A>G on the coding strand, the complement: CHD4 is on the minus strand). VCF-style: chr12-6593564-T-C. GRCh37 (hg19) VCF-style: chr12-6702730-T-C.
Other names: c.2345A>G, p.Asn782Ser (NM_001297553.2); c.2327A>G, p.Asn776Ser (NM_001363606.2); short protein forms N776S, N782S, N789S.
Identifiers: ClinVar variation 1804883 (VCV001804883.3), dbSNP rs1948436363, ClinGen allele CA383593729.

ClinVar aggregate classification (germline): Likely pathogenic (1 of 4 stars; one submission).

Conditions:
Sifrim-Hitz-Weiss syndrome (SIHIWES). Also called: CHD4 Neurodevelopmental Disorder; SIFRIM-HITZ-WEISS MULTIPLE CONGENITAL ANOMALIES-MENTAL RETARDATION SYNDROME. Identifiers: Orphanet 653712, MedGen C4310688, MONDO:0014946, OMIM 617159.

Submission:

Victorian Clinical Genetics Services, Murdoch Childrens Research Institute
Classification: Likely pathogenic for Sifrim-Hitz-Weiss syndrome. Last evaluated: 2024-10-11. Review status: criteria provided, single submitter. Criteria: ACMG Guidelines, 2015. Collection method: clinical testing. Allele origin: germline. Inheritance: Autosomal dominant inheritance. Affected: yes.
Comment: Based on the classification scheme VCGS_Germline_v1.1.1, this variant is classified as Likely pathogenic. Following criteria are met: 0105 - The mechanism of disease for this gene is not clearly established. (N) 0107 - This gene is known to be associated with autosomal dominant disease. (N) 0200 - Variant is predicted to result in a missense amino acid change from asparagine to serine (exon 16). (N) 0301 - Variant is absent from gnomAD. (P) 0501 - Missense variant consistently predicted to be damaging by in-silico tools or highly conserved with a major amino acid change. (P) 0600 - Variant is located in an annotated domain or motif that does not have a well established function (DEAH-box helicase domain; NCBI). (N) 0603 - Missense variant in a region that is highly intolerant to missense variation (constraint). (P) 0705 - No comparable variants in relevant codon/region have previous evidence for pathogenicity. (N) 0807 - Variant has not previously been reported in a clinical context. (N) 0905 - No published segregation evidence has been identified for this variant. (N) 1007 - No published functional evidence has been identified for this variant. (N) 1102 - Strong phenotype match. (P) 1204 - De Novo Variant (Parental status not tested but assumed). (N) Legend: (P) - Pathogenic, (N) - Neutral, (B) - Benign